The following is an entry in ClinVar:

NM_019098.5(CNGB3):c.220_221del (p.Ser74fs)

Gene: CNGB3 (cyclic nucleotide gated channel subunit beta 3; minus strand). Cytogenetic location: 8q21.3.
Variant type: Microsatellite.
Coding change: c.220_221del on transcript NM_019098.5 (MANE Select); coding-DNA positions 220 to 221, 2 bases deleted (TC; older notation c.220_221delTC).
Protein change: p.Ser74fs; shifts the reading frame from serine 74.
Molecular consequence: frameshift variant.
Genome position (GRCh38, 1-based): chr8:86,726,648-86,726,649, GA deleted on the plus strand (TC on the coding strand, the reverse complement: CNGB3 is on the minus strand); deleting any 2 consecutive bases within chr8:86,726,648-86,726,652 gives the same sequence; the c. name uses the placement nearest the transcript's 3' end. VCF-style (leftmost placement, unchanged base first): chr8-86726647-GGA-G. GRCh37 (hg19) VCF-style: chr8-87738875-GGA-G.
Other names: c.220_221delTC (NM_019098.4); short protein forms S74fs.
Identifiers: ClinVar variation 371643 (VCV000371643.6), dbSNP rs1057517434, ClinGen allele CA16041198.

ClinVar aggregate classification (germline): Pathogenic. Review status: criteria provided, single submitter (1 of 4 stars). 2 submissions from 2 submitters: Pathogenic (1). 1 of the submissions does not count toward it. Last evaluated 2022-11-10.

Conditions:
Achromatopsia 3 (ACHM3). Also called: ACHROMATOPSIA WITH MYOPIA; PINGELAPESE BLINDNESS; TOTAL COLORBLINDNESS WITH MYOPIA; ROD MONOCHROMACY 1; ROD MONOCHROMATISM 1. Identifiers: Orphanet 49382, MedGen C1849792, MONDO:0009875, OMIM 262300.

Submissions (2):

Labcorp Genetics (formerly Invitae), Labcorp
Classification: Pathogenic. Last evaluated: 2022-11-10. Review status: criteria provided, single submitter. Criteria: Invitae Variant Classification Sherloc (09022015). Collection method: clinical testing. Allele origin: germline.
Comment: For these reasons, this variant has been classified as Pathogenic. ClinVar contains an entry for this variant (Variation ID: 371643). This variant has not been reported in the literature in individuals affected with CNGB3-related conditions. This variant is not present in population databases (gnomAD no frequency). This sequence change creates a premature translational stop signal (p.Ser74Glnfs*13) in the CNGB3 gene. It is expected to result in an absent or disrupted protein product. Loss-of-function variants in CNGB3 are known to be pathogenic (PMID: 28795510).

Counsyl
Classification: Likely pathogenic for Achromatopsia 3. Last evaluated: 2016-11-04. Review status: no assertion criteria provided. Collection method: clinical testing. Allele origin: unknown. Not counted in ClinVar's aggregate classification.

Literature cited by the submitters: PubMed 28795510 (cited by Labcorp Genetics (formerly Invitae), Labcorp).